The following is an entry in ClinVar:

ClinVar aggregate classification (germline): Likely benign. Review status: criteria provided, multiple submitters, no conflicts (2 of 4 stars). 6 submissions from 6 submitters: Likely benign (4). 2 of the submissions do not count toward it. Last evaluated 2026-05-01.

Allele frequency attached by ClinVar (database versions not stated): gnomAD 0.00004 and 0.00005; gnomAD exomes 0.00005 and 0.00009; ExAC 0.00006; TOPMed 0.00007; 1000 Genomes Project 30x 0.00016; 1000 Genomes Project 0.00020.
gnomAD v4.1: 146 of 1,614,100 alleles (0.009%); highest among the groups gnomAD compares: Middle Eastern, 0.35%; 1 homozygote.

Submissions (6):

CeGaT Center for Human Genetics Tuebingen
Classification: Likely benign. Last evaluated: 2026-05-01. Review status: criteria provided, single submitter. Criteria: CeGaT Center For Human Genetics Tuebingen Variant Classification Criteria Version 2. Collection method: clinical testing. Allele origin: germline. Affected: yes. Observed: 5 variant alleles.
Comment: TRIO: BP4, BP7

Blueprint Genetics
Classification: Likely benign. Last evaluated: 2024-06-13. Review status: criteria provided, single submitter. Criteria: ACMG Guidelines, 2015. Collection method: clinical testing. Allele origin: germline.

Labcorp Genetics (formerly Invitae), Labcorp
Classification: Likely benign. Last evaluated: 2018-01-19. Review status: criteria provided, single submitter. Criteria: Invitae Variant Classification Sherloc (09022015). Collection method: clinical testing. Allele origin: germline.

Breakthrough Genomics
Classification: Likely benign. Review status: criteria provided, single submitter. Criteria: ACMG Guidelines, 2015. Collection method: not provided. Allele origin: germline. Inheritance: Autosomal dominant inheritance. Affected: yes.

Clinical Genetics DNA and cytogenetics Diagnostics Lab, Erasmus MC, Erasmus Medical Center
Classification: Likely benign. Review status: no assertion criteria provided. Collection method: clinical testing. Allele origin: germline. Affected: yes. Study: VKGL Data-share Consensus. Not counted in ClinVar's aggregate classification.

Genome Diagnostics Laboratory, University Medical Center Utrecht
Classification: Likely benign. Review status: no assertion criteria provided. Collection method: clinical testing. Allele origin: germline. Affected: yes. Study: VKGL Data-share Consensus. Not counted in ClinVar's aggregate classification.

NM_007118.4(TRIO):c.2964C>T (p.Cys988=)

Gene: TRIO (trio Rho guanine nucleotide exchange factor; plus strand). Cytogenetic location: 5p15.2.
Variant type: single nucleotide variant.
Coding change: c.2964C>T on transcript NM_007118.4 (MANE Select); coding-DNA position 2964, C replaced by T.
Protein change: p.Cys988=; no amino-acid change (cysteine 988 retained).
Molecular consequence: synonymous variant. On other transcripts: non-coding transcript variant (1).
Genome position (GRCh38, 1-based): chr5:14,368,797, C>T. VCF-style: chr5-14368797-C-T. GRCh37 (hg19) VCF-style: chr5-14368906-C-T.
Identifiers: ClinVar variation 734601 (VCV000734601.32), dbSNP rs144236504, ClinGen allele CA3206051.
Genomic context (GRCh38, chr5:14,368,797, plus strand): 5'-GCAGAAGGCAGAAGCCATGCTACAGGCCAACCACTACGACATGGACATGATCCGGGACTG[C>T]GCCGAGAAGGTGGCGTCTCACTGGCAACAGCTCATGCTCAAGATGGAAGATCGCCTCAAG-3'
Protein context (NP_009049.2, residues 978-998): NHYDMDMIRD[Cys988=]AEKVASHWQQ